The following is an entry in ClinVar:

ClinVar aggregate classification (germline): Uncertain significance (1 of 4 stars; one submission).

gnomAD v4.1: 3 of 1,609,070 alleles (0.00019%); highest among the groups gnomAD compares: South Asian, 0.0033%; no homozygotes.

Submission:

Labcorp Genetics (formerly Invitae), Labcorp
Classification: Uncertain significance. Last evaluated: 2024-03-30. Review status: criteria provided, single submitter. Criteria: Invitae Variant Classification Sherloc (09022015). Collection method: clinical testing. Allele origin: germline.
Comment: This sequence change replaces glycine, which is neutral and non-polar, with serine, which is neutral and polar, at codon 887 of the ABL1 protein (p.Gly887Ser). This variant is not present in population databases (gnomAD no frequency). This variant has not been reported in the literature in individuals affected with ABL1-related conditions. Advanced modeling of protein sequence and biophysical properties (such as structural, functional, and spatial information, amino acid conservation, physicochemical variation, residue mobility, and thermodynamic stability) performed at Invitae indicates that this missense variant is not expected to disrupt ABL1 protein function with a negative predictive value of 95%. In summary, the available evidence is currently insufficient to determine the role of this variant in disease. Therefore, it has been classified as a Variant of Uncertain Significance.

NM_005157.6(ABL1):c.2602G>A (p.Gly868Ser)

Gene: ABL1 (ABL proto-oncogene 1, non-receptor tyrosine kinase; plus strand). Cytogenetic location: 9q34.12.
Variant type: single nucleotide variant.
Coding change: c.2602G>A on transcript NM_005157.6 (MANE Select); coding-DNA position 2602, G replaced by A.
Protein change: p.Gly868Ser; replaces glycine 868 with serine.
Molecular consequence: missense variant.
Genome position (GRCh38, 1-based): chr9:130,884,892, G>A. VCF-style: chr9-130884892-G-A. GRCh37 (hg19) VCF-style: chr9-133760279-G-A.
Other names: c.2659G>A, p.Gly887Ser (NM_007313.3); short protein forms G868S, G887S.
Identifiers: ClinVar variation 3617339 (VCV003617339.2).